The following is an entry in ClinVar:

ClinVar aggregate classification (germline): Uncertain significance (1 of 4 stars; one submission).

Allele frequency attached by ClinVar (database versions not stated): gnomAD exomes 0.00001; ExAC 0.00002; gnomAD 0.00003; TOPMed 0.00003; ESP Exome Variant Server 0.00008.
gnomAD v4.1: 10 of 1,614,038 alleles (0.00062%); highest among the groups gnomAD compares: African/African-American, 0.008%; no homozygotes.

Submission:

Labcorp Genetics (formerly Invitae), Labcorp
Classification: Uncertain significance. Last evaluated: 2023-11-21. Review status: criteria provided, single submitter. Criteria: Invitae Variant Classification Sherloc (09022015). Collection method: clinical testing. Allele origin: germline.
Comment: This sequence change replaces proline, which is neutral and non-polar, with leucine, which is neutral and non-polar, at codon 370 of the CAMTA1 protein (p.Pro370Leu). This variant is present in population databases (rs138975854, gnomAD 0.01%). This variant has not been reported in the literature in individuals affected with CAMTA1-related conditions. An algorithm developed to predict the effect of missense changes on protein structure and function (PolyPhen-2) suggests that this variant is likely to be disruptive. In summary, the available evidence is currently insufficient to determine the role of this variant in disease. Therefore, it has been classified as a Variant of Uncertain Significance.

NM_015215.4(CAMTA1):c.1109C>T (p.Pro370Leu)

Gene: CAMTA1 (calmodulin binding transcription activator 1; plus strand). Cytogenetic location: 1p36.23.
Variant type: single nucleotide variant.
Coding change: c.1109C>T on transcript NM_015215.4 (MANE Select); coding-DNA position 1109, C replaced by T.
Protein change: p.Pro370Leu; replaces proline 370 with leucine.
Molecular consequence: missense variant.
Genome position (GRCh38, 1-based): chr1:7,663,656, C>T. VCF-style: chr1-7663656-C-T. GRCh37 (hg19) VCF-style: chr1-7723716-C-T.
Other names: c.1019C>T, p.Pro340Leu (NM_001349608.2, NM_001349612.2); c.1109C>T, p.Pro370Leu (NM_001349609.2, NM_001349610.2, NM_001410737.1); c.1037C>T, p.Pro346Leu (NM_001410738.1); short protein forms P340L, P370L, P346L.
Identifiers: ClinVar variation 2957529 (VCV002957529.3), dbSNP rs138975854, ClinGen allele CA566369.